The following is an entry in ClinVar:

ClinVar aggregate classification (germline): Uncertain significance (1 of 4 stars; one submission).

Conditions:
Autosomal dominant childhood-onset proximal spinal muscular atrophy with contractures (SMALED2A). Also called: Spinal muscular atrophy, lower extremity-predominant, 2A, autosomal dominant; SPINAL MUSCULAR ATROPHY, LOWER EXTREMITY-PREDOMINANT, 2A, CHILDHOOD ONSET, AUTOSOMAL DOMINANT. Identifiers: Orphanet 363447, Orphanet 363454, MedGen C4747715, MONDO:0014121, OMIM 615290.

gnomAD v4.1: 1 of 1,611,414 alleles (0.000062%); highest among the groups gnomAD compares: Admixed American, 0.0017%; no homozygotes.

Submission:

Labcorp Genetics (formerly Invitae), Labcorp
Classification: Uncertain significance for Autosomal dominant childhood-onset proximal spinal muscular atrophy with contractures. Last evaluated: 2025-03-12. Review status: criteria provided, single submitter. Criteria: Invitae Variant Classification Sherloc (09022015). Collection method: clinical testing. Allele origin: germline.
Comment: This sequence change replaces aspartic acid, which is acidic and polar, with histidine, which is basic and polar, at codon 495 of the BICD2 protein (p.Asp495His). This variant is present in population databases (no rsID available, gnomAD 0.003%). This variant has not been reported in the literature in individuals affected with BICD2-related conditions. Invitae Evidence Modeling of protein sequence and biophysical properties (such as structural, functional, and spatial information, amino acid conservation, physicochemical variation, residue mobility, and thermodynamic stability) indicates that this missense variant is not expected to disrupt BICD2 protein function with a negative predictive value of 80%. In summary, the available evidence is currently insufficient to determine the role of this variant in disease. Therefore, it has been classified as a Variant of Uncertain Significance.

NM_001003800.2(BICD2):c.1483G>C (p.Asp495His)

Gene: BICD2 (BICD cargo adaptor 2; minus strand). Cytogenetic location: 9q22.31.
Variant type: single nucleotide variant.
Coding change: c.1483G>C on transcript NM_001003800.2 (MANE Select); coding-DNA position 1483, G replaced by C.
Protein change: p.Asp495His; replaces aspartic acid 495 with histidine.
Molecular consequence: missense variant.
Genome position (GRCh38, 1-based): chr9:92,719,162, C>G on the plus strand (G>C on the coding strand, the complement: BICD2 is on the minus strand). VCF-style: chr9-92719162-C-G. GRCh37 (hg19) VCF-style: chr9-95481444-C-G.
Other names: c.1483G>C, p.Asp495His (NM_015250.4); short protein forms D495H.
Identifiers: ClinVar variation 4728502 (VCV004728502.1).